The following is an entry in ClinVar:

ClinVar aggregate classification (germline): Uncertain significance (1 of 4 stars; one submission).

gnomAD v4.1: 25 of 1,613,208 alleles (0.0015%); highest among the groups gnomAD compares: Admixed American, 0.013%; no homozygotes.

Submission:

Labcorp Genetics (formerly Invitae), Labcorp
Classification: Uncertain significance. Last evaluated: 2023-12-12. Review status: criteria provided, single submitter. Criteria: Invitae Variant Classification Sherloc (09022015). Collection method: clinical testing. Allele origin: germline.
Comment: This sequence change replaces arginine, which is basic and polar, with glutamine, which is neutral and polar, at codon 663 of the MICAL1 protein (p.Arg663Gln). This variant is present in population databases (rs137916380, gnomAD 0.006%). This variant has not been reported in the literature in individuals affected with MICAL1-related conditions. An algorithm developed to predict the effect of missense changes on protein structure and function (PolyPhen-2) suggests that this variant is likely to be tolerated. In summary, the available evidence is currently insufficient to determine the role of this variant in disease. Therefore, it has been classified as a Variant of Uncertain Significance.

NM_022765.4(MICAL1):c.1931G>A (p.Arg644Gln)

Gene: MICAL1 (microtubule associated monooxygenase, calponin and LIM domain containing 1; minus strand). Cytogenetic location: 6q21.
Variant type: single nucleotide variant.
Coding change: c.1931G>A on transcript NM_022765.4 (MANE Select); coding-DNA position 1931, G replaced by A.
Protein change: p.Arg644Gln; replaces arginine 644 with glutamine.
Molecular consequence: missense variant.
Genome position (GRCh38, 1-based): chr6:109,447,888, C>T on the plus strand (G>A on the coding strand, the complement: MICAL1 is on the minus strand). VCF-style: chr6-109447888-C-T. GRCh37 (hg19) VCF-style: chr6-109769091-C-T.
Other names: c.1673G>A, p.Arg558Gln (NM_001159291.2); c.1988G>A, p.Arg663Gln (NM_001286613.2); short protein forms R558Q, R644Q, R663Q.
Identifiers: ClinVar variation 2969760 (VCV002969760.3), dbSNP rs137916380, ClinGen allele CA3953169.
Genomic context (GRCh38, chr6:109,447,888, plus strand): 5'-CTGCCCACTCCTCCCTGCTCAGCTCCAGCCCTGCCTAAACTCTCCACCTTGGCCCGGGAT[C>T]GCTGCAGGGTCCTCTGAAGTTTACTAAGGAATAATACAGCACTGGAGGTCCCTGGGGAGG-3'
Protein context (NP_073602.3, residues 634-654): FLSKLQRTLQ[Arg644Gln]SRAKENAEDA